The following is an entry in ClinVar:

ClinVar aggregate classification (germline): Uncertain significance (1 of 4 stars; one submission).

Conditions:
Hereditary cancer-predisposing syndrome. Also called: Neoplastic Syndromes, Hereditary; Tumor predisposition; Hereditary Cancer Syndrome; Hereditary neoplastic syndrome. Identifiers: Orphanet 140162, MedGen C0027672, MeSH D009386, MONDO:0015356.

Submission:

Color Diagnostics, LLC DBA Color Health
Classification: Uncertain significance for Hereditary cancer-predisposing syndrome. Last evaluated: 2023-12-05. Review status: criteria provided, single submitter. Criteria: ACMG Guidelines, 2015. Collection method: clinical testing. Allele origin: germline.
Comment: This missense variant replaces arginine with lysine at codon 725 of the BARD1 protein. To our knowledge, functional studies have not been reported for this variant. This variant has not been reported in individuals affected with hereditary cancer in the literature. This variant has not been identified in the general population by the Genome Aggregation Database (gnomAD). The available evidence is insufficient to determine the role of this variant in disease conclusively. Therefore, this variant is classified as a Variant of Uncertain Significance.

NM_000465.4(BARD1):c.2172_2174delinsCAA (p.Arg725Lys)

Gene: BARD1 (BRCA1 associated RING domain 1; minus strand). Cytogenetic location: 2q35.
Variant type: Indel.
Coding change: c.2172_2174delinsCAA on transcript NM_000465.4 (MANE Select); coding-DNA positions 2172 to 2174, GAG replaced by CAA.
Protein change: p.Arg725Lys; replaces arginine 725 with lysine.
Molecular consequence: missense variant. On other transcripts: non-coding transcript variant (3).
Genome position (GRCh38, 1-based): chr2:214,728,836-214,728,838, CTC replaced by TTG on the plus strand (GAG replaced by CAA on the coding strand, the reverse complement: BARD1 is on the minus strand). VCF-style: chr2-214728836-CTC-TTG. GRCh37 (hg19) VCF-style: chr2-215593560-CTC-TTG.
Other names: c.2115_2117delinsCAA, p.Arg706Lys (NM_001282543.2); c.819_821delinsCAA, p.Arg274Lys (NM_001282545.2); c.762_764delinsCAA, p.Arg255Lys (NM_001282548.2); c.633_635delinsCAA, p.Arg212Lys (NM_001282549.2); short protein forms R706K, R725K, R212K, R255K, R274K.
Identifiers: ClinVar variation 925628 (VCV000925628.4), dbSNP rs1692211273, ClinGen allele CA913188009.